The following is an entry in ClinVar:

NM_003611.3(OFD1):c.1604dup (p.Leu535fs)

Gene: OFD1 (OFD1 centriole and centriolar satellite protein; plus strand). Cytogenetic location: Xp22.2.
Variant type: Duplication.
Coding change: c.1604dup on transcript NM_003611.3 (MANE Select); coding-DNA position 1604, one base duplicated (T; older notation c.1604dupT).
Protein change: p.Leu535fs; shifts the reading frame from leucine 535.
Molecular consequence: frameshift variant.
Genome position (GRCh38, 1-based): chrX:13,758,398, T duplicated; the last of 3 consecutive T bases (chrX:13,758,396-13,758,398); duplicating any one gives the same sequence. VCF-style (leftmost placement, unchanged base first): chrX-13758395-G-GT. GRCh37 (hg19) VCF-style: chrX-13776514-G-GT.
Other names: c.1484dup, p.Leu495fs (NM_001330209.2); c.1184dup, p.Leu395fs (NM_001330210.2); c.1604dupT (NM_003611.2); short protein forms L495fs, L395fs, L535fs.
Identifiers: ClinVar variation 3598083 (VCV003598083.1).

ClinVar aggregate classification (germline): Pathogenic/Likely pathogenic. Review status: criteria provided, multiple submitters, no conflicts (2 of 4 stars). 2 submissions from 2 submitters: Pathogenic (1); Likely pathogenic (1). Last evaluated 2025-10-14.

Conditions:
Primary ciliary dyskinesia. Also called: Ciliary dyskinesia. Identifiers: Orphanet 244, MedGen C0008780, MONDO:0016575, HP:0012265.
Simpson-Golabi-Behmel syndrome type 2. Identifiers: Orphanet 79022, MedGen C1846175, MONDO:0010265, OMIM 300209.
Joubert syndrome 10 (JBTS10). Identifiers: Orphanet 2754, MedGen C2749019, MONDO:0010431, OMIM 300804.
Retinitis pigmentosa 23 (RP23). Identifiers: Orphanet 791, MedGen C1419610, MONDO:0010320, OMIM 300424.
Orofaciodigital syndrome I (OFD1). Also called: OFDS I; Papillon-Leage and Psaume Syndrome; Oral-Facial-Digital Syndrome Type I. Identifiers: Orphanet 2750, MedGen C1510460, MONDO:0010702, OMIM 311200.

Submissions (2):

Ambry Genetics
Classification: Pathogenic for Primary ciliary dyskinesia. Last evaluated: 2025-10-14. Review status: criteria provided, single submitter. Criteria: Ambry Variant Classification Scheme 2023. Collection method: clinical testing. Allele origin: germline.
Comment: The c.1604dupT (p.L535Ffs*22) alteration, located in exon 15 (coding exon 15) of the OFD1 gene, consists of a duplication of T at position 1604, causing a translational frameshift with a predicted alternate stop codon after 22 amino acids. This alteration is expected to result in loss of function by premature protein truncation or nonsense-mediated mRNA decay. This variant was not reported in population-based cohorts in the Genome Aggregation Database (gnomAD). Based on the available evidence, this alteration is classified as pathogenic.

Fulgent Genetics
Classification: Likely pathogenic for Simpson-Golabi-Behmel syndrome type 2; Retinitis pigmentosa 23; Joubert syndrome 10; Orofaciodigital syndrome I. Last evaluated: 2024-04-17. Review status: criteria provided, single submitter. Criteria: ACMG Guidelines, 2015. Collection method: clinical testing. Allele origin: germline.